The following is an entry in ClinVar:

NM_000553.6(WRN):c.2689G>T (p.Ala897Ser)

Gene: WRN (WRN RecQ like helicase; plus strand). Cytogenetic location: 8p12.
Variant type: single nucleotide variant.
Coding change: c.2689G>T on transcript NM_000553.6 (MANE Select); coding-DNA position 2689, G replaced by T.
Protein change: p.Ala897Ser; replaces alanine 897 with serine.
Molecular consequence: missense variant.
Genome position (GRCh38, 1-based): chr8:31,124,580, G>T. VCF-style: chr8-31124580-G-T. GRCh37 (hg19) VCF-style: chr8-30982096-G-T.
Other names: short protein forms A897S.
Identifiers: ClinVar variation 404017 (VCV000404017.5), dbSNP rs760902935, ClinGen allele CA16612437.

ClinVar aggregate classification (germline): Uncertain significance (1 of 4 stars; one submission).

Conditions:
Werner syndrome (WRN). Identifiers: Orphanet 902, MedGen C0043119, MONDO:0010196, OMIM 277700.

Allele frequency attached by ClinVar (database versions not stated): gnomAD exomes below 0.00001.
gnomAD v4.1: 1 of 1,612,840 alleles (0.000062%); highest among the groups gnomAD compares: Admixed American, 0.0017%; no homozygotes.

Submission:

Labcorp Genetics (formerly Invitae), Labcorp
Classification: Uncertain significance for Werner syndrome. Last evaluated: 2022-03-12. Review status: criteria provided, single submitter. Criteria: Invitae Variant Classification Sherloc (09022015). Collection method: clinical testing. Allele origin: germline.
Comment: In summary, the available evidence is currently insufficient to determine the role of this variant in disease. Therefore, it has been classified as a Variant of Uncertain Significance. Algorithms developed to predict the effect of missense changes on protein structure and function output the following: SIFT: "Not Available"; PolyPhen-2: "Benign"; Align-GVGD: "Not Available". The serine amino acid residue is found in multiple mammalian species, which suggests that this missense change does not adversely affect protein function. ClinVar contains an entry for this variant (Variation ID: 404017). This variant has not been reported in the literature in individuals affected with WRN-related conditions. This variant is present in population databases (no rsID available, gnomAD 0.006%). This sequence change replaces alanine, which is neutral and non-polar, with serine, which is neutral and polar, at codon 897 of the WRN protein (p.Ala897Ser).